The following is an entry in ClinVar:

NM_020120.4(UGGT1):c.3195T>C (p.Pro1065=)

Gene: UGGT1 (UDP-glucose glycoprotein glucosyltransferase 1; plus strand). Cytogenetic location: 2q14.3.
Variant type: single nucleotide variant.
Coding change: c.3195T>C on transcript NM_020120.4 (MANE Select); coding-DNA position 3195, T replaced by C.
Protein change: p.Pro1065=; no amino-acid change (proline 1065 retained).
Molecular consequence: synonymous variant. On other transcripts: non-coding transcript variant (1).
Genome position (GRCh38, 1-based): chr2:128,172,663, T>C. VCF-style: chr2-128172663-T-C. GRCh37 (hg19) VCF-style: chr2-128930237-T-C.
Identifiers: ClinVar variation 5038956 (VCV005038956.1).

ClinVar aggregate classification (germline): Likely benign (1 of 4 stars; one submission).

gnomAD v4.1: 173 of 1,614,144 alleles (0.011%); highest among the groups gnomAD compares: Admixed American, 0.022%; no homozygotes.

Submission:

CeGaT Center for Human Genetics Tuebingen
Classification: Likely benign. Last evaluated: 2026-07-01. Review status: criteria provided, single submitter. Criteria: CeGaT Center For Human Genetics Tuebingen Variant Classification Criteria Version 2. Collection method: clinical testing. Allele origin: germline. Affected: yes. Observed: 1 variant allele.
Comment: UGGT1: BP4, BP7